The following is an entry in ClinVar:

NM_000535.7(PMS2):c.1983_1984insCAAA (p.Asp662fs)

Gene: PMS2 (PMS1 homolog 2, mismatch repair system component; minus strand). Cytogenetic location: 7p22.1.
Variant type: Insertion.
Coding change: c.1983_1984insCAAA on transcript NM_000535.7 (MANE Select); coding-DNA positions 1983 to 1984, CAAA inserted.
Protein change: p.Asp662fs; shifts the reading frame from aspartic acid 662.
Molecular consequence: frameshift variant. On other transcripts: non-coding transcript variant (1), intron variant (1).
Genome position: GRCh38 VCF-style: chr7-5986781-C-CTTTG. GRCh37 (hg19) VCF-style: chr7-6026412-C-CTTTG.
Other names: c.1578_1579insCAAA, p.Asp527fs (NM_001322003.2, NM_001322004.2, NM_001322005.2 and 16 more transcripts); c.1827_1828insCAAA, p.Asp610fs (NM_001322006.2, NM_001406870.1); c.1665_1666insCAAA, p.Asp556fs (NM_001322007.2, NM_001322008.2, NM_001406876.1 and 2 more transcripts); c.1422_1423insCAAA, p.Asp475fs (NM_001322010.2, NM_001406906.1, NM_001406907.1); c.1050_1051insCAAA, p.Asp351fs (NM_001322011.2, NM_001322012.2); c.1410_1411insCAAA, p.Asp471fs (NM_001322013.2, NM_001406909.1); c.1983_1984insCAAA, p.Asp662fs (NM_001322014.2, NM_001406871.1, NM_001406872.1); c.1674_1675insCAAA, p.Asp559fs (NM_001322015.2, NM_001406875.1, NM_001406877.1 and 5 more transcripts); and 13 more; short protein forms D351fs, D405fs, D471fs, D475fs, D491fs, D504fs, D507fs, D527fs.
Identifiers: ClinVar variation 4294258 (VCV004294258.1).

ClinVar aggregate classification (germline): Pathogenic (1 of 4 stars; one submission).

Conditions:
Lynch syndrome 4 (LYNCH4). Also called: Colorectal cancer, hereditary nonpolyposis, type 4; Hereditary non-polyposis colorectal cancer, type 4. Identifiers: Orphanet 144, MedGen C1838333, MONDO:0013699, OMIM 614337. Disease mechanism: loss of function.

Submission:

Myriad Genetics, Inc.
Classification: Pathogenic for Lynch syndrome 4. Last evaluated: 2025-08-26. Review status: criteria provided, single submitter. Criteria: Myriad Autosomal Dominant, Autosomal Recessive and X-Linked Classification Criteria (2023). Collection method: clinical testing. Allele origin: unknown.
Comment: This variant is considered pathogenic. This variant creates a frameshift predicted to result in premature protein truncation.